The following is an entry in ClinVar:

ClinVar aggregate classification (germline): Pathogenic. Review status: criteria provided, multiple submitters, no conflicts (2 of 4 stars). 17 submissions from 15 submitters: Pathogenic (14). 3 of the submissions do not count toward it. Last evaluated 2026-04-27.

Conditions:
Other rare neuromuscular disorders.
CHRNG-related disorder. Also called: CHRNG-related disorders; CHRNG-related condition.
Lethal multiple pterygium syndrome (LMPS). Identifiers: Orphanet 33108, MedGen C1854678, MONDO:0009668, OMIM 253290.
Autosomal recessive multiple pterygium syndrome. Also called: MULTIPLE PTERYGIUM SYNDROME, ESCOBAR VARIANT; PTERYGIUM COLLI SYNDROME; PTERYGIUM SYNDROME; PTERYGIUM UNIVERSALE. Identifiers: Orphanet 2990, MedGen C0265261, MONDO:0009926, OMIM 265000.

Allele frequency attached by ClinVar (database versions not stated): ExAC 0.00026; gnomAD exomes 0.00035 and 0.00074; TOPMed 0.00037; ESP Exome Variant Server 0.00040; gnomAD 0.00045 and 0.00048.

Submissions (17):

Dasa
Classification: Pathogenic. Last evaluated: 2026-04-27. Review status: criteria provided, single submitter. Criteria: DASA Assertion Criteria. Collection method: clinical testing. Allele origin: germline.
Comment: NM_005199.5(CHRNG):c.459dup (p.Val154Serfs*24) introduces a premature termination codon predicted to result in loss of normal protein function. Loss-of-function is an established mechanism of disease for this gene. This variant has been recurrently observed in individuals with related phenotype (PMID: 26578207; PMID: 24254455; PMID: 22167768; PMID: 16826531). The variant is present at low frequency in population datasets. Based on the available data, this variant is classified as pathogenic.

Labcorp Genetics (formerly Invitae), Labcorp
Classification: Pathogenic. Last evaluated: 2026-01-26. Review status: criteria provided, single submitter. Criteria: Invitae Variant Classification Sherloc (09022015). Collection method: clinical testing. Allele origin: germline.
Comment: This sequence change creates a premature translational stop signal (p.Val154Serfs*24) in the CHRNG gene. It is expected to result in an absent or disrupted protein product. Loss-of-function variants in CHRNG are known to be pathogenic (PMID: 16826520). This variant is present in population databases (rs774279192, gnomAD 0.06%). This premature translational stop signal has been observed in individuals with multiple pterygium syndrome (PMID: 16826531, 22167768, 24038971, 24254455). ClinVar contains an entry for this variant (Variation ID: 449338). For these reasons, this variant has been classified as Pathogenic.

NHS Central & South Genomic Laboratory Hub
Classification: Pathogenic for Other rare neuromuscular disorders. Last evaluated: 2025-10-21. Review status: criteria provided, single submitter. Criteria: ACMG Guidelines, 2015. Collection method: clinical testing. Allele origin: germline. Affected: yes.

Blueprint Genetics
Classification: Pathogenic for CHRNG-related disorders. Last evaluated: 2024-11-15. Review status: criteria provided, single submitter. Criteria: ACMG Guidelines, 2015. Collection method: clinical testing. Allele origin: germline. Affected: yes. Observed: 5 variant alleles.

Fulgent Genetics
Classification: Pathogenic for Lethal multiple pterygium syndrome; Autosomal recessive multiple pterygium syndrome. Last evaluated: 2024-05-02. Review status: criteria provided, single submitter. Criteria: ACMG Guidelines, 2015. Collection method: clinical testing. Allele origin: germline.

Baylor Genetics
Classification: Pathogenic for Lethal multiple pterygium syndrome. Last evaluated: 2022-09-09. Review status: criteria provided, single submitter. Criteria: ACMG Guidelines, 2015. Collection method: clinical testing. Allele origin: unknown.

GeneDx
Classification: Pathogenic. Last evaluated: 2022-06-01. Review status: criteria provided, single submitter. Criteria: GeneDx Variant Classification Process June 2021. Collection method: clinical testing. Allele origin: germline. Affected: yes.
Comment: Frameshift variant predicted to result in protein truncation or nonsense mediated decay in a gene for which loss-of-function is a known mechanism of disease; This variant is associated with the following publications: (PMID: 24254455, 29054425, 34440395, 33060286, 30266093, 34411415, 32403337, 31980526, 24038971, 16826531, 30868735, 22167768, 25957469, 22482962, 32536119, 34426522, 31589614)

Women's Health and Genetics/Laboratory Corporation of America, LabCorp
Classification: Pathogenic for Lethal multiple pterygium syndrome. Last evaluated: 2022-05-20. Review status: criteria provided, single submitter. Criteria: LabCorp Variant Classification Summary - May 2015. Collection method: clinical testing. Allele origin: germline.
Comment: Variant summary: CHRNG c.459dupA (p.Val154SerfsX24) results in a premature termination codon, predicted to cause a truncation of the encoded protein or absence of the protein due to nonsense mediated decay, which are commonly known mechanisms for disease. The variant allele was found at a frequency of 0.00035 in 251454 control chromosomes (gnomAD). This frequency is not significantly higher than expected for a pathogenic variant in CHRNG causing Lethal Multiple Pterygium Syndrome - CHRNG Related (0.00035 vs 0.0011), allowing no conclusion about variant significance. c.459dupA has been reported in the literature in multiple compound heterozygous and homozygous individuals affected with Lethal Multiple Pterygium Syndrome - CHRNG Related (Robinson_2013, Dahan-Oliel_2021). These data indicate that the variant is very likely to be associated with disease. To our knowledge, no experimental evidence demonstrating an impact on protein function has been reported. Six ClinVar submitters (evaluation after 2014) cite the variant as pathogenic. Based on the evidence outlined above, the variant was classified as pathogenic.

Baylor Genetics
Classification: Pathogenic for Autosomal recessive multiple pterygium syndrome. Last evaluated: 2021-05-24. Review status: criteria provided, single submitter. Criteria: ACMG Guidelines, 2015. Collection method: clinical testing. Allele origin: unknown.

Molecular Diagnostics Lab, Nemours Children's Health, Delaware
Classification: Pathogenic for Autosomal recessive multiple pterygium syndrome. Last evaluated: 2019-12-17. Review status: criteria provided, single submitter. Criteria: ACMG Guidelines, 2015. Collection method: clinical testing. Allele origin: unknown. Inheritance: Autosomal recessive inheritance. Affected: yes. Observed: 2 compound heterozygotes. Clinical features observed: Scoliosis (HP:0002650), Kyphosis (HP:0002808), Arthrogryposis multiplex congenita (HP:0002804), Talipes calcaneovalgus (HP:0001884), Cryptorchidism (HP:0000028).

Revvity Omics, Revvity
Classification: Pathogenic. Last evaluated: 2019-07-12. Review status: criteria provided, single submitter. Criteria: ACMG Guidelines, 2015. Collection method: clinical testing. Allele origin: germline.

Rady Children's Institute for Genomic Medicine, Rady Children's Hospital San Diego
Classification: Pathogenic for MULTIPLE PTERYGIUM SYNDROME, ESCOBAR VARIANT. Last evaluated: 2018-08-09. Review status: criteria provided, single submitter. Criteria: ACMG Guidelines, 2015. Collection method: clinical testing. Allele origin: germline. Affected: yes. Observed: 1 variant allele.
Comment: This frameshifting variant in exon 5 of 12 introduces a premature stop codon and is therefore predicted to result in loss of normal protein function. This variant has been previously reported as a homozygous or compound heterozygous change in patients with Escobar Variant Multiple Pterygium Syndrome (EVMPS) (PMID: 16826531, 24254455, 24038971, 29054425). It is present in the gnomAD population database at a frequency of 0.032% (89/277085) and thus is presumed to be rare. Based on the available evidence, the c.459dupA (p.Val154SerfsTer24) variant is classified as pathogenic.

Illumina Laboratory Services, Illumina
Classification: Pathogenic for CHRNG-Related Disorders. Last evaluated: 2017-04-28. Review status: criteria provided, single submitter. Criteria: ICSL Variant Classification Criteria 09 May 2019. Collection method: clinical testing. Allele origin: germline.
Comment: The CHRNG c.459dupA (p.Val154SerfsTer24) variant is a frameshift variant that is predicted to result in premature termination of the protein. The p.Val154SerfsTer24 variant has been reported in at least six studies in which it is found in a total of 13 patients, including three patients with lethal multiple pterygium syndrome, with two carrying the variant in a homozygous state and one in a compound heterozygous state, and in ten patients with Escobar syndrome, with seven carrying the variant in a homozygous state and three in a compound heterozygous state (Morgan et al. 2006; Vogt et al. 2012; Robinson et al. 2013; Al Kaissi et al. 2013; Todd et al. 2015; Chong et al. 2015). Control data are unavailable for this variant, which is reported at a frequency of 0.00063 in the European (non-Finnish population of the Genome Aggregation Database. Based on the collective evidence and the potential impact of frameshift variants, the p.Val154SerfsTer24 variant is classified as pathogenic for CHRNG-related disorders. This variant was observed by ICSL as part of a predisposition screen in an ostensibly healthy population.

Clinical Biomedical Laboratory, Shriners Hospital For Children - Canada
Classification: Pathogenic for Autosomal recessive multiple pterygium syndrome. Review status: criteria provided, single submitter. Criteria: ACMG Guidelines, 2015. Collection method: clinical testing. Allele origin: germline. Affected: yes.
Comment: This variant introduces a frameshift, which is expected to lead to degradation of the affected transcript and loss of function. Biallelic loss of function variants in CHRNG are associated with Escobar syndrome, which corresponds to the clinical diagnosis of the proband. In the Genome Aggregation Database (gnomAD v2.1.1) this variant is present at a maximal frequency of 0.06%, indicating it is very rare. This variant has been published several times (e.g., PMID 34440395). Based on the ACMG variant interpretation guidelines (criteria: PVS1, PS3, PM2, PP4), this is a pathogenic variant.

PreventionGenetics, part of Exact Sciences
Classification: Pathogenic for CHRNG-related condition. Last evaluated: 2024-02-02. Review status: no assertion criteria provided. Collection method: clinical testing. Allele origin: germline. Not counted in ClinVar's aggregate classification.
Comment: The CHRNG c.459dupA variant is predicted to result in a frameshift and premature protein termination (p.Val154Serfs*24). This variant has been reported in the compound heterozygous or homozygous state in multiple individuals with Escobar syndrome or multiple pterygium syndrome (Morgan et al. 2006. PubMedID: 16826531; Robinson et al. 2013. PubMedID: 24038971; Natera-de Benito et al. 2017. PubMed ID: 29054425; Dahan-Oliel et al. 2021. PubMed ID: 34440395). This variant is reported in 0.063% of alleles in individuals of European (Non-Finnish) descent in gnomAD, indicating it is relatively common. Frameshift variants in CHRNG are expected to be pathogenic. Given the evidence, we interpret this variant as pathogenic.

OMIM
Classification: Pathogenic for MULTIPLE PTERYGIUM SYNDROME, LETHAL TYPE. Last evaluated: 2012-01-01. Review status: no assertion criteria provided. Collection method: literature only. Allele origin: germline. Not counted in ClinVar's aggregate classification.

OMIM
Classification: Pathogenic for ESCOBAR SYNDROME. Last evaluated: 2012-01-01. Review status: no assertion criteria provided. Collection method: literature only. Allele origin: germline. Not counted in ClinVar's aggregate classification.

Literature cited by the submitters: PubMed 26578207 (cited by Dasa and Illumina Laboratory Services, Illumina); PubMed 24254455 (cited by 3 submitters); PubMed 22167768 (cited by 4 submitters); PubMed 16826531 (cited by 3 submitters); PubMed 16826520 (cited by Labcorp Genetics (formerly Invitae), Labcorp); PubMed 24038971 (cited by 4 submitters); PubMed 33060286 (cited by Women's Health and Genetics/Laboratory Corporation of America, LabCorp); PubMed 34440395 (cited by Women's Health and Genetics/Laboratory Corporation of America, LabCorp and Clinical Biomedical Laboratory, Shriners Hospital For Children - Canada); PubMed 27245440 (cited by Molecular Diagnostics Lab, Nemours Children's Health, Delaware); PubMed 25957469 (cited by Illumina Laboratory Services, Illumina); PubMed 30868735 (cited by OMIM).

NM_005199.5(CHRNG):c.459dup (p.Val154fs)

Gene: CHRNG (cholinergic receptor nicotinic gamma subunit; plus strand). Cytogenetic location: 2q37.1.
Variant type: Duplication.
Coding change: c.459dup on transcript NM_005199.5 (MANE Select); coding-DNA position 459, one base duplicated (A; older notation c.459dupA).
Protein change: p.Val154fs; shifts the reading frame from valine 154.
Molecular consequence: frameshift variant.
Genome position (GRCh38, 1-based): chr2:232,541,482, A duplicated. VCF-style (leftmost placement, unchanged base first): chr2-232541481-C-CA. GRCh37 (hg19) VCF-style: chr2-233406191-C-CA.
Other names: c.459dupA (NM_005199.4, NM_005199.5); short protein forms V154fs.
Identifiers: ClinVar variation 449338 (VCV000449338.34), dbSNP rs774279192, ClinGen allele CA2168671.